The following is an entry in ClinVar:

NM_001267550.2(TTN):c.12897dup (p.Gly4300fs)

Gene: TTN (titin; minus strand). Cytogenetic location: 2q31.2.
Variant type: Duplication.
Coding change: c.12897dup on transcript NM_001267550.2 (MANE Select); coding-DNA position 12897, one base duplicated (A; older notation c.12897dupA).
Protein change: p.Gly4300fs; shifts the reading frame from glycine 4300.
Molecular consequence: frameshift variant. On other transcripts: intron variant (1).
Genome position (GRCh38, 1-based): chr2:178,740,336, T duplicated on the plus strand (A on the coding strand, the reverse complement: TTN is on the minus strand); the first of 2 consecutive T bases (chr2:178,740,336-178,740,337); duplicating either gives the same sequence. VCF-style (leftmost placement, unchanged base first): chr2-178740335-C-CT. GRCh37 (hg19) VCF-style: chr2-179605062-C-CT.
Other names: c.12897dup (NM_001267550.1); c.11946dup, p.Gly3983fs (NM_001256850.1); c.11808dup, p.Gly3937fs (NM_003319.4); c.12183dup, p.Gly4062fs (NM_133432.3); c.12384dup, p.Gly4129fs (NM_133437.4); c.10361-1977dup (NM_133378.4); short protein forms G3937fs, G3983fs, G4129fs, G4062fs, G4300fs.
Identifiers: ClinVar variation 850866 (VCV000850866.11), dbSNP rs2082273335, ClinGen allele CA916081379.

ClinVar aggregate classification (germline): Likely pathogenic. Review status: criteria provided, multiple submitters, no conflicts (2 of 4 stars). 2 submissions from 2 submitters: Likely pathogenic (2). Last evaluated 2025-09-27.

Conditions:
Autosomal recessive limb-girdle muscular dystrophy type 2J (LGMDR10). Also called: MUSCULAR DYSTROPHY, LIMB-GIRDLE, AUTOSOMAL RECESSIVE 10; Limb-girdle muscular dystrophy, type 2J. Identifiers: Orphanet 140922, MedGen C1837342, MONDO:0012127, OMIM 608807.
Dilated cardiomyopathy 1G (CMD1G). Identifiers: Orphanet 154, MedGen C1858763, MONDO:0011400, OMIM 604145.

Submissions (2):

Labcorp Genetics (formerly Invitae), Labcorp
Classification: Likely pathogenic for Dilated cardiomyopathy 1G; Autosomal recessive limb-girdle muscular dystrophy type 2J. Last evaluated: 2025-09-27. Review status: criteria provided, single submitter. Criteria: Invitae Variant Classification Sherloc (09022015). Collection method: clinical testing. Allele origin: germline.
Comment: This sequence change creates a premature translational stop signal (p.Gly4300Argfs*3) in the TTN gene. While this is not anticipated to result in nonsense mediated decay, it is expected to create a truncated TTN protein. This variant is not present in population databases (gnomAD no frequency). This variant has not been observed in the literature in individuals with autosomal recessive TTN-related conditions. This variant has been reported in individual(s) with autosomal dominant dilated cardiomyopathy (PMID: 27813223); however, the role of the variant in this condition is currently unclear. ClinVar contains an entry for this variant (Variation ID: 850866). This variant is located in the I band of TTN (PMID: 25589632). Truncating variants in this region have been reported in individuals affected with autosomal recessive centronuclear myopathy (PMID: 23975875, internal data). Truncating variants in this region have also been identified in individuals affected with autosomal dominant dilated cardiomyopathy and/or cardio-related conditions (PMID: 27869827, 32964742, internal data). In summary, the currently available evidence indicates that the variant is pathogenic, but additional data are needed to prove that conclusively. Therefore, this variant has been classified as Likely Pathogenic.

GeneDx
Classification: Likely pathogenic. Last evaluated: 2025-07-14. Review status: criteria provided, single submitter. Criteria: GeneDx Variant Classification Process June 2021. Collection method: clinical testing. Allele origin: germline. Affected: yes.
Comment: Located in a specific region of the I-band within TTN for which truncating variants are significantly associated with autosomal dominant cardiomyopathy and also with autosomal recessive skeletal myopathies (PMID: 27625338, 27869827, 32778822); Reported in association with dilated cardiomyopathy; however, detailed clinical information was not provided (PMID: 27813223); Not observed at significant frequency in large population cohorts (gnomAD); This variant is associated with the following publications: (PMID: 27625338, 27869827, 32778822, 33226272, 27813223)

Literature cited by the submitters: PubMed 27813223 (cited by Labcorp Genetics (formerly Invitae), Labcorp); PubMed 25589632 (cited by Labcorp Genetics (formerly Invitae), Labcorp); PubMed 23975875 (cited by Labcorp Genetics (formerly Invitae), Labcorp); PubMed 27869827 (cited by Labcorp Genetics (formerly Invitae), Labcorp); PubMed 32964742 (cited by Labcorp Genetics (formerly Invitae), Labcorp).